The following is an entry in ClinVar:

ClinVar aggregate classification (germline): Likely benign (0 of 4 stars; one submission).

Conditions:
VEGFC-related disorder. Also called: VEGFC-related condition.

Allele frequency attached by ClinVar (database versions not stated): gnomAD 0.00003; TOPMed 0.00004; ExAC 0.00009; ESP Exome Variant Server 0.00017; gnomAD exomes 0.00018.
gnomAD v4.1: 251 of 1,557,862 alleles (0.016%); highest among the groups gnomAD compares: Non-Finnish European, 0.021%; no homozygotes.

Submission:

PreventionGenetics, part of Exact Sciences
Classification: Likely benign for VEGFC-related condition. Last evaluated: 2022-03-14. Review status: no assertion criteria provided. Collection method: clinical testing. Allele origin: germline.
Comment: This variant is classified as likely benign based on ACMG/AMP sequence variant interpretation guidelines (Richards et al. 2015 PMID: 25741868, with internal and published modifications).

NM_005429.5(VEGFC):c.148-9C>T

Gene: VEGFC (vascular endothelial growth factor C; minus strand). Cytogenetic location: 4q34.3.
Variant type: single nucleotide variant.
Coding change: c.148-9C>T on transcript NM_005429.5 (MANE Select); 9 bases into the intron before coding-DNA position 148, C replaced by T.
Molecular consequence: intron variant.
Genome position (GRCh38, 1-based): chr4:176,729,755, G>A on the plus strand (C>T on the coding strand, the complement: VEGFC is on the minus strand). VCF-style: chr4-176729755-G-A. GRCh37 (hg19) VCF-style: chr4-177650909-G-A.
Identifiers: ClinVar variation 3036644 (VCV003036644.2), dbSNP rs374947493, ClinGen allele CA3145991.